The following is an entry in ClinVar:

NM_173086.5(KRT6C):c.1573G>A (p.Gly525Ser)

Gene: KRT6C (keratin 6C; minus strand). Cytogenetic location: 12q13.13.
Variant type: single nucleotide variant.
Coding change: c.1573G>A on transcript NM_173086.5 (MANE Select); coding-DNA position 1573, G replaced by A.
Protein change: p.Gly525Ser; replaces glycine 525 with serine.
Molecular consequence: missense variant.
Genome position (GRCh38, 1-based): chr12:52,469,184, C>T on the plus strand (G>A on the coding strand, the complement: KRT6C is on the minus strand). VCF-style: chr12-52469184-C-T. GRCh37 (hg19) VCF-style: chr12-52862968-C-T.
Other names: c.1573G>A (NM_173086.4); short protein forms G525S.
Identifiers: ClinVar variation 3003485 (VCV003003485.4), dbSNP rs760710357, ClinGen allele CA6581030.

ClinVar aggregate classification (germline): Uncertain significance. Review status: criteria provided, multiple submitters, no conflicts (2 of 4 stars). 2 submissions from 2 submitters: Uncertain significance (2). Last evaluated 2025-06-07.

Conditions:
Inborn genetic diseases. Identifiers: MedGen C0950123, MeSH D030342.

Allele frequency attached by ClinVar (database versions not stated): ExAC 0.00001; TOPMed 0.00001; gnomAD exomes 0.00002.
gnomAD v4.1: 31 of 1,614,024 alleles (0.0019%); highest among the groups gnomAD compares: Non-Finnish European, 0.0025%; no homozygotes.

Submissions (2):

Ambry Genetics
Classification: Uncertain significance for Inborn genetic diseases. Last evaluated: 2025-06-07. Review status: criteria provided, single submitter. Criteria: Ambry Variant Classification Scheme 2023. Collection method: clinical testing. Allele origin: germline.

Labcorp Genetics (formerly Invitae), Labcorp
Classification: Uncertain significance. Last evaluated: 2023-05-23. Review status: criteria provided, single submitter. Criteria: Invitae Variant Classification Sherloc (09022015). Collection method: clinical testing. Allele origin: germline.
Comment: Advanced modeling of protein sequence and biophysical properties (such as structural, functional, and spatial information, amino acid conservation, physicochemical variation, residue mobility, and thermodynamic stability) performed at Invitae indicates that this missense variant is not expected to disrupt KRT6C protein function. In summary, the available evidence is currently insufficient to determine the role of this variant in disease. Therefore, it has been classified as a Variant of Uncertain Significance. This sequence change replaces glycine, which is neutral and non-polar, with serine, which is neutral and polar, at codon 525 of the KRT6C protein (p.Gly525Ser). This variant is present in population databases (rs760710357, gnomAD 0.003%). This variant has not been reported in the literature in individuals affected with KRT6C-related conditions.